The following is an entry in ClinVar:

ClinVar aggregate classification (germline): Uncertain significance. Review status: criteria provided, multiple submitters, no conflicts (2 of 4 stars). 3 submissions from 3 submitters: Uncertain significance (3). Last evaluated 2023-04-14.

Conditions:
Tumor predisposition syndrome 3 (TPDS3). Also called: Glioma susceptibility 9; LONG TELOMERE SYNDROME, POT1-RELATED; POT1 Tumor Predisposition; Melanoma, cutaneous malignant, susceptibility to, 10. Identifiers: Orphanet 618, MedGen C4014476, MONDO:0014368, OMIM 615848.
Hereditary cancer-predisposing syndrome. Also called: Hereditary neoplastic syndrome; Hereditary Cancer Syndrome; Neoplastic Syndromes, Hereditary; Tumor predisposition. Identifiers: Orphanet 140162, MedGen C0027672, MeSH D009386, MONDO:0015356.

gnomAD v4.1: 2 of 1,607,904 alleles (0.00012%); highest among the groups gnomAD compares: Non-Finnish European, 0.00017%; no homozygotes.

Submissions (3):

Ambry Genetics
Classification: Uncertain significance for Hereditary cancer-predisposing syndrome. Last evaluated: 2023-04-14. Review status: criteria provided, single submitter. Criteria: Ambry Variant Classification Scheme 2023. Collection method: clinical testing. Allele origin: germline.
Comment: The p.I198L variant (also known as c.592A>C), located in coding exon 5 of the POT1 gene, results from an A to C substitution at nucleotide position 592. The isoleucine at codon 198 is replaced by leucine, an amino acid with highly similar properties. This amino acid position is not well conserved in available vertebrate species. In addition, this alteration is predicted to be tolerated by in silico analysis. Since supporting evidence is limited at this time, the clinical significance of this alteration remains unclear.

GeneDx
Classification: Uncertain significance. Last evaluated: 2022-08-09. Review status: criteria provided, single submitter. Criteria: GeneDx Variant Classification Process June 2021. Collection method: clinical testing. Allele origin: germline. Affected: yes.
Comment: Not observed at significant frequency in large population cohorts (gnomAD); In silico analysis supports that this missense variant does not alter protein structure/function; Has not been previously published as pathogenic or benign to our knowledge; This variant is associated with the following publications: (PMID: 28393830)

Labcorp Genetics (formerly Invitae), Labcorp
Classification: Uncertain significance for Tumor predisposition syndrome 3. Last evaluated: 2017-06-09. Review status: criteria provided, single submitter. Criteria: Invitae Variant Classification Sherloc (09022015). Collection method: clinical testing. Allele origin: germline.
Comment: This sequence change replaces isoleucine with leucine at codon 198 of the POT1 protein (p.Ile198Leu). The isoleucine residue is moderately conserved and there is a small physicochemical difference between isoleucine and leucine. This variant is not present in population databases (ExAC no frequency). This variant has not been reported in the literature in individuals with a POT1-related disease. Algorithms developed to predict the effect of missense changes on protein structure and function output the following: SIFT: "Tolerated"; PolyPhen-2: "Benign"; Align-GVGD: "Class C0". The leucine amino acid residue is found in multiple mammalian species, suggesting that this missense change does not adversely affect protein function. These predictions have not been confirmed by published functional studies and their clinical significance is uncertain. In summary, this variant has uncertain impact on POT1 function. The available evidence is currently insufficient to determine its role in disease. Therefore, it has been classified as a Variant of Uncertain Significance.

NM_015450.3(POT1):c.592A>C (p.Ile198Leu)

Gene: POT1 (protection of telomeres 1; minus strand). Cytogenetic location: 7q31.33.
Variant type: single nucleotide variant.
Coding change: c.592A>C on transcript NM_015450.3 (MANE Select); coding-DNA position 592, A replaced by C.
Protein change: p.Ile198Leu; replaces isoleucine 198 with leucine.
Molecular consequence: missense variant. On other transcripts: non-coding transcript variant (3).
Genome position (GRCh38, 1-based): chr7:124,859,067, T>G on the plus strand (A>C on the coding strand, the complement: POT1 is on the minus strand). VCF-style: chr7-124859067-T-G. GRCh37 (hg19) VCF-style: chr7-124499121-T-G.
Other names: c.199A>C, p.Ile67Leu (NM_001042594.2); short protein forms I198L, I67L.
Identifiers: ClinVar variation 475089 (VCV000475089.11), dbSNP rs1554425771, ClinGen allele CA369056665.